The following is an entry in ClinVar:

NM_000329.3(RPE65):c.247T>C (p.Phe83Leu)

Gene: RPE65 (retinoid isomerohydrolase RPE65; minus strand). Cytogenetic location: 1p31.3.
Variant type: single nucleotide variant.
Coding change: c.247T>C on transcript NM_000329.3 (MANE Select); coding-DNA position 247, T replaced by C.
Protein change: p.Phe83Leu; replaces phenylalanine 83 with leucine.
Molecular consequence: missense variant.
Genome position (GRCh38, 1-based): chr1:68,444,882, A>G on the plus strand (T>C on the coding strand, the complement: RPE65 is on the minus strand). VCF-style: chr1-68444882-A-G. GRCh37 (hg19) VCF-style: chr1-68910565-A-G.
Other names: short protein forms F83L.
Identifiers: ClinVar variation 1454979 (VCV001454979.6), dbSNP rs2100828545, ClinGen allele CA340748617.

ClinVar aggregate classification (germline): Pathogenic (1 of 4 stars; one submission).

Conditions:
Retinitis pigmentosa 20 (RP20). Identifiers: Orphanet 791, MedGen C3151086, MONDO:0013425, OMIM 613794.
Leber congenital amaurosis 2 (LCA2). Also called: Autosomal Recessive RPE65-Related Retinal Degeneration; AMAUROSIS CONGENITA OF LEBER II. Identifiers: Orphanet 65, MedGen C1859844, MONDO:0008765, OMIM 204100. Disease mechanism: loss of function.

Submission:

Labcorp Genetics (formerly Invitae), Labcorp
Classification: Pathogenic for Leber congenital amaurosis 2; Retinitis pigmentosa 20. Last evaluated: 2024-02-23. Review status: criteria provided, single submitter. Criteria: Invitae Variant Classification Sherloc (09022015). Collection method: clinical testing. Allele origin: germline.
Comment: This sequence change replaces phenylalanine, which is neutral and non-polar, with leucine, which is neutral and non-polar, at codon 83 of the RPE65 protein (p.Phe83Leu). This variant is not present in population databases (gnomAD no frequency). This missense change has been observed in individuals with autosomal recessive RPE65-related conditions and/or Leber congenital amaurosis (PMID: 31878136; Invitae). It has also been observed to segregate with disease in related individuals. ClinVar contains an entry for this variant (Variation ID: 1454979). Advanced modeling of protein sequence and biophysical properties (such as structural, functional, and spatial information, amino acid conservation, physicochemical variation, residue mobility, and thermodynamic stability) performed at Invitae indicates that this missense variant is not expected to disrupt RPE65 protein function with a negative predictive value of 80%. Algorithms developed to predict the effect of sequence changes on RNA splicing suggest that this variant may disrupt the consensus splice site. For these reasons, this variant has been classified as Pathogenic.

Literature cited by the submitters: PubMed 31878136.